The following is an entry in ClinVar:

ClinVar aggregate classification (germline): Uncertain significance (1 of 4 stars; one submission).

Submission:

Labcorp Genetics (formerly Invitae), Labcorp
Classification: Uncertain significance. Last evaluated: 2022-08-16. Review status: criteria provided, single submitter. Criteria: Invitae Variant Classification Sherloc (09022015). Collection method: clinical testing. Allele origin: germline.
Comment: In summary, the available evidence is currently insufficient to determine the role of this variant in disease. Therefore, it has been classified as a Variant of Uncertain Significance. Algorithms developed to predict the effect of missense changes on protein structure and function are either unavailable or do not agree on the potential impact of this missense change (SIFT: "Deleterious"; PolyPhen-2: "Not Available"; Align-GVGD: "Class C0"). This variant has not been reported in the literature in individuals affected with TMEM132E-related conditions. This variant is not present in population databases (gnomAD no frequency). This sequence change replaces leucine, which is neutral and non-polar, with phenylalanine, which is neutral and non-polar, at codon 236 of the TMEM132E protein (p.Leu236Phe).

NM_001304438.2(TMEM132E):c.706C>T (p.Leu236Phe)

Gene: TMEM132E (transmembrane protein 132E; plus strand). Cytogenetic location: 17q12.
Variant type: single nucleotide variant.
Coding change: c.706C>T on transcript NM_001304438.2 (MANE Select); coding-DNA position 706, C replaced by T.
Protein change: p.Leu236Phe; replaces leucine 236 with phenylalanine.
Molecular consequence: missense variant.
Genome position (GRCh38, 1-based): chr17:34,626,765, C>T. VCF-style: chr17-34626765-C-T. GRCh37 (hg19) VCF-style: chr17-32953784-C-T.
Other names: short protein forms L236F.
Identifiers: ClinVar variation 2038079 (VCV002038079.4), dbSNP rs1322350840, ClinGen allele CA2580093165.
Genomic context (GRCh38, chr17:34,626,765, plus strand): 5'-CCGGACGGGCTGGAGCCCGAGGCGACGGGGGAGAGCCAGCAGGCCGAGCTCTACTACACG[C>T]TCCACGCCCCTGATGCGTCGGGGGGCTGCGGGGGCTCCCGCCGGGGGGCCGGGCCCGGGG-3'
Protein context (NP_001291367.1, residues 226-246): ESQQAELYYT[Leu236Phe]HAPDASGGCG